The following is an entry in ClinVar:

ClinVar aggregate classification (germline): Uncertain significance (1 of 4 stars; one submission).

Conditions:
Tyrosinemia type I (TYRSN1). Also called: Tyrosinemia type 1; Fumarylacetoacetase deficiency; Deficiency of fumarylacetoacetase; HEPATORENAL TYROSINEMIA; FAH DEFICIENCY. Identifiers: Orphanet 882, MedGen C0268490, MONDO:0010161, OMIM 276700. Disease mechanism: loss of function.

Submission:

Labcorp Genetics (formerly Invitae), Labcorp
Classification: Uncertain significance for Tyrosinemia type I. Last evaluated: 2024-07-23. Review status: criteria provided, single submitter. Criteria: Invitae Variant Classification Sherloc (09022015). Collection method: clinical testing. Allele origin: germline.
Comment: This sequence change replaces methionine, which is neutral and non-polar, with valine, which is neutral and non-polar, at codon 115 of the FAH protein (p.Met115Val). This variant is present in population databases (no rsID available, gnomAD 0.003%). This variant has not been reported in the literature in individuals affected with FAH-related conditions. Advanced modeling of protein sequence and biophysical properties (such as structural, functional, and spatial information, amino acid conservation, physicochemical variation, residue mobility, and thermodynamic stability) performed at Invitae indicates that this missense variant is not expected to disrupt FAH protein function with a negative predictive value of 80%. In summary, the available evidence is currently insufficient to determine the role of this variant in disease. Therefore, it has been classified as a Variant of Uncertain Significance.

NM_000137.4(FAH):c.343A>G (p.Met115Val)

Genes: FAH (fumarylacetoacetate hydrolase; plus strand), LOC112272621 (Sharpr-MPRA regulatory region 12283; plus strand). Cytogenetic location: 15q25.1.
Variant type: single nucleotide variant.
Coding change: c.343A>G on transcript NM_000137.4 (MANE Select); coding-DNA position 343, A replaced by G.
Protein change: p.Met115Val; replaces methionine 115 with valine.
Molecular consequence: missense variant.
Genome position (GRCh38, 1-based): chr15:80,160,438, A>G. VCF-style: chr15-80160438-A-G. GRCh37 (hg19) VCF-style: chr15-80452780-A-G.
Other names: c.343A>G, p.Met115Val (NM_001374377.1, NM_001374380.1); short protein forms M115V.
Identifiers: ClinVar variation 3715503 (VCV003715503.2).